The following is an entry in ClinVar:

NM_007118.4(TRIO):c.6438G>A (p.Met2146Ile)

Gene: TRIO (trio Rho guanine nucleotide exchange factor; plus strand). Cytogenetic location: 5p15.2.
Variant type: single nucleotide variant.
Coding change: c.6438G>A on transcript NM_007118.4 (MANE Select); coding-DNA position 6438, G replaced by A.
Protein change: p.Met2146Ile; replaces methionine 2146 with isoleucine.
Molecular consequence: missense variant. On other transcripts: non-coding transcript variant (1).
Genome position (GRCh38, 1-based): chr5:14,481,591, G>A. VCF-style: chr5-14481591-G-A. GRCh37 (hg19) VCF-style: chr5-14481700-G-A.
Other names: short protein forms M2146I.
Identifiers: ClinVar variation 2581832 (VCV002581832.1), dbSNP rs1755521266, ClinGen allele CA359235341.

ClinVar aggregate classification (germline): Uncertain significance (1 of 4 stars; one submission).

Allele frequency attached by ClinVar (database versions not stated): TOPMed below 0.00001; gnomAD 0.00001.
gnomAD v4.1: 1 of 1,613,986 alleles (0.000062%); highest among the groups gnomAD compares: African/African-American, 0.0013%; no homozygotes.

Submission:

GeneDx
Classification: Uncertain significance. Last evaluated: 2023-03-29. Review status: criteria provided, single submitter. Criteria: GeneDx Variant Classification Process June 2021. Collection method: clinical testing. Allele origin: germline. Affected: yes.
Comment: Not observed at significant frequency in large population cohorts (gnomAD); In silico analysis supports that this missense variant has a deleterious effect on protein structure/function; Has not been previously published as pathogenic or benign to our knowledge